The following is an entry in ClinVar:

NM_014762.4(DHCR24):c.*42G>A

Gene: DHCR24 (24-dehydrocholesterol reductase; minus strand). Cytogenetic location: 1p32.3.
Variant type: single nucleotide variant.
Coding change: c.*42G>A on transcript NM_014762.4 (MANE Select); 42 bases downstream of the stop codon, G replaced by A.
Molecular consequence: 3 prime UTR variant.
Genome position (GRCh38, 1-based): chr1:54,852,191, C>T on the plus strand (G>A on the coding strand, the complement: DHCR24 is on the minus strand). VCF-style: chr1-54852191-C-T. GRCh37 (hg19) VCF-style: chr1-55317864-C-T.
Identifiers: ClinVar variation 297652 (VCV000297652.5), dbSNP rs200380515, ClinGen allele CA870513.

ClinVar aggregate classification (germline): Likely benign (1 of 4 stars; one submission).

Conditions:
Desmosterolosis. Identifiers: Orphanet 35107, MedGen C1865596, MONDO:0011217, OMIM 602398.

Allele frequency attached by ClinVar (database versions not stated): gnomAD exomes 0.00004 and 0.00030; gnomAD 0.00006 and 0.00007; TOPMed 0.00015; ExAC 0.00032; 1000 Genomes Project 0.00040; 1000 Genomes Project 30x 0.00047.
gnomAD v4.1: 75 of 1,613,344 alleles (0.0046%); highest among the groups gnomAD compares: East Asian, 0.15%; 1 homozygote.

Submission:

Illumina Laboratory Services, Illumina
Classification: Likely benign for Desmosterolosis. Last evaluated: 2018-01-13. Review status: criteria provided, single submitter. Criteria: ICSL Variant Classification Criteria 13 December 2019. Collection method: clinical testing. Allele origin: germline.
Comment: This variant was observed in the ICSL laboratory as part of a predisposition screen in an ostensibly healthy population. It had not been previously curated by ICSL or reported in the Human Gene Mutation Database (HGMD: prior to June 1st, 2018), and was therefore a candidate for classification through an automated scoring system. Utilizing variant allele frequency, disease prevalence and penetrance estimates, and inheritance mode, an automated score was calculated to assess if this variant is too frequent to cause the disease. Based on the score and internal cut-off values, a variant classified as likely benign is not then subjected to further curation. The score for this variant resulted in a classification of likely benign for this disease.